The following is an entry in ClinVar:

ClinVar aggregate classification (germline): Uncertain significance (0 of 4 stars; one submission).

Submission:

Genetics Division, Universidade Federal de Sao Paulo
Classification: Uncertain significance. Last evaluated: 2015-06-01. Review status: no assertion criteria provided. Collection method: research. Allele origin: de novo. Inheritance: X-linked inheritance. Affected: yes. Observed: 1 heterozygote.

t(X;11)(q21.1;q14.2)

Gene: APOOL (apolipoprotein O like; plus strand). Cytogenetic location: 11q14.2.
Variant type: Translocation.
Identifiers: ClinVar variation 592172 (VCV000592172.2).